The following is an entry in ClinVar:

NM_000222.3(KIT):c.2599A>C (p.Ser867Arg)

Gene: KIT (KIT proto-oncogene, receptor tyrosine kinase; plus strand). Cytogenetic location: 4q12.
Variant type: single nucleotide variant.
Coding change: c.2599A>C on transcript NM_000222.3 (MANE Select); coding-DNA position 2599, A replaced by C.
Protein change: p.Ser867Arg; replaces serine 867 with arginine.
Molecular consequence: missense variant.
Genome position (GRCh38, 1-based): chr4:54,736,723, A>C. VCF-style: chr4-54736723-A-C. GRCh37 (hg19) VCF-style: chr4-55602889-A-C.
Other names: c.2587A>C, p.Ser863Arg (NM_001093772.2, NM_001385292.1); c.2602A>C, p.Ser868Arg (NM_001385284.1); c.2596A>C, p.Ser866Arg (NM_001385285.1); c.2584A>C, p.Ser862Arg (NM_001385286.1); c.2590A>C, p.Ser864Arg (NM_001385288.1); c.2599A>C, p.Ser867Arg (NM_001385290.1); short protein forms S866R, S868R, S862R, S867R, S864R, S863R.
Identifiers: ClinVar variation 4841366 (VCV004841366.1).
Genomic context (GRCh38, chr4:54,736,723, plus strand): 5'-AGTTTCATTGGTGTCCTGCTTCCTTGTGATTAACACTGCTTTGCAAACTGTGTCTCAGGA[A>C]GCAGCCCCTATCCTGGAATGCCGGTCGATTCTAAGTTCTACAAGATGATCAAGGAAGGCT-3'
Protein context (NP_000213.1, residues 857-877): IFLWELFSLG[Ser867Arg]SPYPGMPVDS

ClinVar aggregate classification (germline): Uncertain significance (1 of 4 stars; one submission).

Conditions:
Hereditary cancer-predisposing syndrome. Also called: Neoplastic Syndromes, Hereditary; Tumor predisposition; Hereditary Cancer Syndrome; Hereditary neoplastic syndrome. Identifiers: Orphanet 140162, MedGen C0027672, MeSH D009386, MONDO:0015356.

gnomAD v4.1: 1 of 1,614,008 alleles (0.000062%); highest among the groups gnomAD compares: Non-Finnish European, 0.000085%; no homozygotes.

Submission:

Ambry Genetics
Classification: Uncertain significance for Hereditary cancer-predisposing syndrome. Last evaluated: 2026-01-06. Review status: criteria provided, single submitter. Criteria: Ambry Variant Classification Scheme 2023. Collection method: clinical testing. Allele origin: germline.
Comment: The p.S867R variant (also known as c.2599A>C), located in coding exon 19 of the KIT gene, results from an A to C substitution at nucleotide position 2599. The serine at codon 867 is replaced by arginine, an amino acid with dissimilar properties. This amino acid position is not well conserved in available vertebrate species. In addition, the in silico prediction for this alteration is inconclusive. Based on the available evidence, the clinical significance of this variant remains unclear.